The following is an entry in ClinVar:

ClinVar aggregate classification (germline): Uncertain significance. Review status: criteria provided, multiple submitters, no conflicts (2 of 4 stars). 2 submissions from 2 submitters: Uncertain significance (2). Last evaluated 2025-01-28.

Allele frequency attached by ClinVar (database versions not stated): gnomAD exomes below 0.00001.
gnomAD v4.1: 2 of 1,614,126 alleles (0.00012%); highest among the groups gnomAD compares: Non-Finnish European, 0.00017%; no homozygotes.

Submissions (2):

Women's Health and Genetics/Laboratory Corporation of America, LabCorp
Classification: Uncertain significance. Last evaluated: 2025-01-28. Review status: criteria provided, single submitter. Criteria: LabCorp Variant Classification Summary - May 2015. Collection method: clinical testing. Allele origin: germline.
Comment: Variant summary: ABCA12 c.2968A>G (p.Lys990Glu) results in a conservative amino acid change located in the ABC-2 type transporter, transmembrane domain (IPR013525) of the encoded protein sequence. Four of five in-silico tools predict a benign effect of the variant on protein function. The variant was absent in 251252 control chromosomes. The available data on variant occurrences in the general population are insufficient to allow any conclusion about variant significance. c.2968A>G has been reported in the literature in a compound heterozygous individual affected with Lamellar Ichthyosis (Hotz_2023). These data do not allow any conclusion about variant significance. To our knowledge, no experimental evidence demonstrating an impact on protein function has been reported. The following publication have been ascertained in the context of this evaluation (PMID: 36980989). ClinVar contains an entry for this variant (Variation ID: 386498). Based on the evidence outlined above, the variant was classified as uncertain significance.

GeneDx
Classification: Uncertain significance. Last evaluated: 2016-05-17. Review status: criteria provided, single submitter. Criteria: GeneDx Variant Classification (06012015). Collection method: clinical testing. Allele origin: germline. Affected: yes.
Comment: The K990E variant in the ABCA12 gene has not been reported previously as a pathogenic variant, nor as a benign variant, to our knowledge. K990E was not observed in approximately 6,500 individuals of European and African American ancestry in the NHLBI Exome Sequencing Project, indicating it is not a common benign variant in these populations. It is a non-conservative amino acid substitution, which is likely to impact secondary protein structure as these residues differ in polarity, charge, size and/or other properties. This substitution occurs at a position that is conserved in mammals. However, in silico analysis is inconsistent in its predictions as to whether or not the variant is damaging to the protein structure/function. We interpret K990E as a variant of uncertain significance.

Literature cited by the submitters: PubMed 36980989 (cited by Women's Health and Genetics/Laboratory Corporation of America, LabCorp).

NM_173076.3(ABCA12):c.2968A>G (p.Lys990Glu)

Gene: ABCA12 (ATP binding cassette subfamily A member 12; minus strand). Cytogenetic location: 2q35.
Variant type: single nucleotide variant.
Coding change: c.2968A>G on transcript NM_173076.3 (MANE Select); coding-DNA position 2968, A replaced by G.
Protein change: p.Lys990Glu; replaces lysine 990 with glutamic acid.
Molecular consequence: missense variant. On other transcripts: non-coding transcript variant (1).
Genome position (GRCh38, 1-based): chr2:215,000,916, T>C on the plus strand (A>G on the coding strand, the complement: ABCA12 is on the minus strand). VCF-style: chr2-215000916-T-C. GRCh37 (hg19) VCF-style: chr2-215865640-T-C.
Other names: c.2014A>G, p.Lys672Glu (NM_015657.4); short protein forms K990E, K672E.
Identifiers: ClinVar variation 386498 (VCV000386498.4), dbSNP rs1057522516, ClinGen allele CA16604114.
Genomic context (GRCh38, chr2:215,000,916, plus strand): 5'-AATTGTGTGGCCCTGGAGCCCAAATCTTGGTTCTTAGGCTTCTTGTGGTCTGTGCGGTCT[T>C]GAGACTCATCCGGATGGTATATTTTATGACAGGAGGAAGAAAGACATTTCCAGAGTCATA-3'
Protein context (NP_775099.2, residues 980-1000): VIKYTIRMSL[Lys990Glu]TAQTTRSLRT